The following is an entry in ClinVar:

ClinVar aggregate classification (germline): Uncertain significance (1 of 4 stars; one submission).

Conditions:
Cardiovascular phenotype. Identifiers: MedGen CN230736.

Submission:

Ambry Genetics
Classification: Uncertain significance for Cardiovascular phenotype. Last evaluated: 2025-11-10. Review status: criteria provided, single submitter. Criteria: Ambry Variant Classification Scheme 2023. Collection method: clinical testing. Allele origin: germline.
Comment: The p.R375G variant (also known as c.1123A>G), located in coding exon 2 of the TNXB gene, results from an A to G substitution at nucleotide position 1123. The arginine at codon 375 is replaced by glycine, an amino acid with dissimilar properties. This amino acid position is conserved. In addition, this alteration is predicted to be tolerated by in silico analysis. Based on the available evidence, the clinical significance of this variant remains unclear.

NM_001365276.2(TNXB):c.1123A>G (p.Arg375Gly)

Gene: TNXB (tenascin XB; minus strand). Cytogenetic location: 6p21.33.
Variant type: single nucleotide variant.
Coding change: c.1123A>G on transcript NM_001365276.2 (MANE Select); coding-DNA position 1123, A replaced by G.
Protein change: p.Arg375Gly; replaces arginine 375 with glycine.
Molecular consequence: missense variant.
Genome position (GRCh38, 1-based): chr6:32,096,730, T>C on the plus strand (A>G on the coding strand, the complement: TNXB is on the minus strand). VCF-style: chr6-32096730-T-C. GRCh37 (hg19) VCF-style: chr6-32064507-T-C.
Other names: c.1123A>G, p.Arg375Gly (NM_001428335.1, NM_019105.8); short protein forms R375G.
Identifiers: ClinVar variation 4615172 (VCV004615172.1).